The following is an entry in ClinVar:

NM_002485.5(NBN):c.2033A>G (p.Asp678Gly)

Gene: NBN (nibrin; minus strand). Cytogenetic location: 8q21.3.
Variant type: single nucleotide variant.
Coding change: c.2033A>G on transcript NM_002485.5 (MANE Select); coding-DNA position 2033, A replaced by G.
Protein change: p.Asp678Gly; replaces aspartic acid 678 with glycine.
Molecular consequence: missense variant.
Genome position (GRCh38, 1-based): chr8:89,946,177, T>C on the plus strand (A>G on the coding strand, the complement: NBN is on the minus strand). VCF-style: chr8-89946177-T-C. GRCh37 (hg19) VCF-style: chr8-90958405-T-C.
Other names: c.1787A>G, p.Asp596Gly (NM_001024688.3); short protein forms D596G, D678G.
Identifiers: ClinVar variation 857509 (VCV000857509.9), dbSNP rs1810178166, ClinGen allele CA371676398.

ClinVar aggregate classification (germline): Uncertain significance (1 of 4 stars; one submission).

Conditions:
Microcephaly, normal intelligence and immunodeficiency (NBS). Also called: SEEMANOVA SYNDROME II; IMMUNODEFICIENCY, MICROCEPHALY, AND CHROMOSOMAL INSTABILITY; Immunodeficiency, microcephaly with normal intelligence; BERLIN BREAKAGE SYNDROME; Nijmegen breakage syndrome; Microcephaly with normal intelligence immunodeficiency and lymphoreticular malignancies. Identifiers: Orphanet 647, MedGen C0398791, MONDO:0009623, OMIM 251260.

Submission:

Labcorp Genetics (formerly Invitae), Labcorp
Classification: Uncertain significance for Microcephaly, normal intelligence and immunodeficiency. Last evaluated: 2019-12-11. Review status: criteria provided, single submitter. Criteria: Invitae Variant Classification Sherloc (09022015). Collection method: clinical testing. Allele origin: germline.
Comment: In summary, the available evidence is currently insufficient to determine the role of this variant in disease. Therefore, it has been classified as a Variant of Uncertain Significance. Algorithms developed to predict the effect of missense changes on protein structure and function (SIFT, PolyPhen-2, Align-GVGD) all suggest that this variant is likely to be tolerated, but these predictions have not been confirmed by published functional studies and their clinical significance is uncertain. This variant has not been reported in the literature in individuals with NBN-related conditions. This variant is not present in population databases (ExAC no frequency). This sequence change replaces aspartic acid with glycine at codon 678 of the NBN protein (p.Asp678Gly). The aspartic acid residue is weakly conserved and there is a moderate physicochemical difference between aspartic acid and glycine.